The following is an entry in ClinVar:

ClinVar aggregate classification (germline): Benign/Likely benign. Review status: criteria provided, multiple submitters, no conflicts (2 of 4 stars). 3 submissions from 3 submitters: Benign (1); Likely benign (2). Last evaluated 2018-05-16.

Conditions:
Amelogenesis imperfecta hypomaturation type 2A2. Also called: Amelogenesis imperfecta, type IIA2; AMELOGENESIS IMPERFECTA, PIGMENTED HYPOMATURATION TYPE, 2; Amelogenesis imperfecta, hypomaturation type, IIA2. Identifiers: Orphanet 88661, MedGen C2675858, MONDO:0012926, OMIM 612529. Disease mechanism: loss of function.

Allele frequency attached by ClinVar (database versions not stated): gnomAD exomes 0.00066 and 0.00178; ExAC 0.00212; ESP Exome Variant Server 0.00623; gnomAD 0.00682 and 0.00724; 1000 Genomes Project 0.00759; TOPMed 0.00808; 1000 Genomes Project 30x 0.00859.
gnomAD v4.1: 2,039 of 1,614,200 alleles (0.13%); highest among the groups gnomAD compares: African/African-American, 2.4%; 29 homozygotes.

Submissions (4):

Labcorp Genetics (formerly Invitae), Labcorp
Classification: Benign. Last evaluated: 2018-05-16. Review status: criteria provided, single submitter. Criteria: Invitae Variant Classification Sherloc (09022015). Collection method: clinical testing. Allele origin: germline.

Illumina Laboratory Services, Illumina
Classification: Likely benign for Amelogenesis imperfecta hypomaturation type 2A2. Last evaluated: 2018-01-13. Review status: criteria provided, single submitter. Criteria: ICSL Variant Classification Criteria 13 December 2019. Collection method: clinical testing. Allele origin: germline.
Comment: This variant was observed in the ICSL laboratory as part of a predisposition screen in an ostensibly healthy population. It had not been previously curated by ICSL or reported in the Human Gene Mutation Database (HGMD: prior to June 1st, 2018), and was therefore a candidate for classification through an automated scoring system. Utilizing variant allele frequency, disease prevalence and penetrance estimates, and inheritance mode, an automated score was calculated to assess if this variant is too frequent to cause the disease. Based on the score and internal cut-off values, a variant classified as likely benign is not then subjected to further curation. The score for this variant resulted in a classification of likely benign for this disease.

Breakthrough Genomics
Classification: Likely benign. Review status: criteria provided, single submitter. Criteria: ACMG Guidelines, 2015. Collection method: not provided. Allele origin: germline. Inheritance: Autosomal recessive inheritance. Affected: yes.

Dr. Peter K. Rogan Lab, Western University
No classification provided (evidence only). Condition: Uterine corpus endometrial carcinoma. Review status: no classification provided. Collection method: in vitro. Allele origin: not applicable. Functional consequence: retained intron. Not counted in ClinVar's aggregate classification.

NM_004771.4(MMP20):c.415G>A (p.Asp139Asn)

Gene: MMP20 (matrix metallopeptidase 20; minus strand). Cytogenetic location: 11q22.2.
Variant type: single nucleotide variant.
Coding change: c.415G>A on transcript NM_004771.4 (MANE Select); coding-DNA position 415, G replaced by A.
Protein change: p.Asp139Asn; replaces aspartic acid 139 with asparagine.
Molecular consequence: missense variant.
Genome position (GRCh38, 1-based): chr11:102,611,863, C>T on the plus strand (G>A on the coding strand, the complement: MMP20 is on the minus strand). VCF-style: chr11-102611863-C-T. GRCh37 (hg19) VCF-style: chr11-102482594-C-T.
Other names: NC_000011.9:g.102482594C>T; short protein forms D139N.
Identifiers: ClinVar variation 301951 (VCV000301951.10), dbSNP rs17099014, ClinGen allele CA6248467.
Genomic context (GRCh38, chr11:102,611,863, plus strand): 5'-TGACAAAGCTCAGAGGGACGGCGCTACTCCAGGCCTGCAAGGCCATCTCCACTGCTTTGT[C>T]CACCTCGACAGAACTCATGGAAGGTGTGTATTTAGATATTCTGTGAAAACGGAAGGAACA-3'
Protein context (NP_004762.2, residues 129-149): YTPSMSSVEV[Asp139Asn]KAVEMALQAW